The following is an entry in ClinVar:

NM_021133.4(RNASEL):c.175G>A (p.Gly59Ser)

Gene: RNASEL (ribonuclease L; minus strand). Cytogenetic location: 1q25.3.
Variant type: single nucleotide variant.
Coding change: c.175G>A on transcript NM_021133.4 (MANE Select); coding-DNA position 175, G replaced by A.
Protein change: p.Gly59Ser; replaces glycine 59 with serine.
Molecular consequence: missense variant.
Genome position (GRCh38, 1-based): chr1:182,586,632, C>T on the plus strand (G>A on the coding strand, the complement: RNASEL is on the minus strand). VCF-style: chr1-182586632-C-T. GRCh37 (hg19) VCF-style: chr1-182555767-C-T.
Other names: short protein forms G59S.
Identifiers: ClinVar variation 774802 (VCV000774802.29), dbSNP rs151296858, ClinGen allele CA1278338.

ClinVar aggregate classification (germline): Likely benign. Review status: criteria provided, multiple submitters, no conflicts (2 of 4 stars). 4 submissions from 4 submitters: Likely benign (4). Last evaluated 2024-11-20.

Allele frequency attached by ClinVar (database versions not stated): 1000 Genomes Project 30x 0.00172; 1000 Genomes Project 0.00180; TOPMed 0.00214; ESP Exome Variant Server 0.00292; gnomAD 0.00317 and 0.00329; gnomAD exomes 0.00357; ExAC 0.00395.
gnomAD v4.1: 5,846 of 1,613,410 alleles (0.36%); highest among the groups gnomAD compares: Middle Eastern, 0.53%; 19 homozygotes.

Submissions (4):

Blueprint Genetics
Classification: Likely benign. Last evaluated: 2024-11-20. Review status: criteria provided, single submitter. Criteria: ACMG Guidelines, 2015. Collection method: clinical testing. Allele origin: germline.

CeGaT Center for Human Genetics Tuebingen
Classification: Likely benign. Last evaluated: 2023-11-01. Review status: criteria provided, single submitter. Criteria: CeGaT Center For Human Genetics Tuebingen Variant Classification Criteria Version 2. Collection method: clinical testing. Allele origin: germline. Affected: yes. Observed: 1 variant allele.
Comment: RNASEL: BP4, BS2

Labcorp Genetics (formerly Invitae), Labcorp
Classification: Likely benign. Last evaluated: 2019-12-31. Review status: criteria provided, single submitter. Criteria: Invitae Variant Classification Sherloc (09022015). Collection method: clinical testing. Allele origin: germline.

Breakthrough Genomics
Classification: Likely benign. Review status: criteria provided, single submitter. Criteria: ACMG Guidelines, 2015. Collection method: not provided. Allele origin: germline. Inheritance: Autosomal dominant inheritance. Affected: yes.